The following is an entry in ClinVar:

ClinVar aggregate classification (germline): Benign/Likely benign. Review status: criteria provided, multiple submitters, no conflicts (2 of 4 stars). 3 submissions from 3 submitters: Benign (1); Likely benign (2). Last evaluated 2025-07-16.

Conditions:
Hereditary cancer-predisposing syndrome. Also called: Tumor predisposition; Hereditary neoplastic syndrome; Hereditary Cancer Syndrome; Neoplastic Syndromes, Hereditary. Identifiers: Orphanet 140162, MedGen C0027672, MeSH D009386, MONDO:0015356.
Tuberous sclerosis 2 (TSC2). Identifiers: Orphanet 805, MedGen C1860707, MONDO:0013199, OMIM 613254.

Allele frequency attached by ClinVar (database versions not stated): gnomAD exomes below 0.00001; ExAC 0.00001; gnomAD 0.00001.
gnomAD v4.1: 24 of 1,606,708 alleles (0.0015%); highest among the groups gnomAD compares: Non-Finnish European, 0.002%; no homozygotes.

Submissions (3):

Labcorp Genetics (formerly Invitae), Labcorp
Classification: Likely benign for Tuberous sclerosis 2. Last evaluated: 2025-07-16. Review status: criteria provided, single submitter. Criteria: Invitae Variant Classification Sherloc (09022015). Collection method: clinical testing. Allele origin: germline.

Myriad Genetics, Inc.
Classification: Benign for Tuberous sclerosis 2. Last evaluated: 2025-06-02. Review status: criteria provided, single submitter. Criteria: Myriad Autosomal Dominant, Autosomal Recessive and X-Linked Classification Criteria (2023). Collection method: clinical testing. Allele origin: unknown.
Comment: This variant is considered benign. This variant is a silent/synonymous amino acid change and it is not expected to impact splicing.

Ambry Genetics
Classification: Likely benign for Hereditary cancer-predisposing syndrome. Last evaluated: 2022-08-10. Review status: criteria provided, single submitter. Criteria: Ambry Variant Classification Scheme 2023. Collection method: clinical testing. Allele origin: germline.

NM_000548.5(TSC2):c.3933G>T (p.Leu1311=)

Gene: TSC2 (TSC complex subunit 2; plus strand). Cytogenetic location: 16p13.3.
Variant type: single nucleotide variant.
Coding change: c.3933G>T on transcript NM_000548.5 (MANE Select); coding-DNA position 3933, G replaced by T.
Protein change: p.Leu1311=; no amino-acid change (leucine 1311 retained).
Molecular consequence: synonymous variant.
Genome position (GRCh38, 1-based): chr16:2,083,744, G>T. VCF-style: chr16-2083744-G-T. GRCh37 (hg19) VCF-style: chr16-2133745-G-T.
Other names: c.3732G>T, p.Leu1244= (NM_001077183.3); c.3864G>T, p.Leu1288= (NM_001114382.3); c.3624G>T, p.Leu1208= (NM_001318827.2); c.3588G>T, p.Leu1196= (NM_001318829.2); c.3201G>T, p.Leu1067= (NM_001318831.2); c.3765G>T, p.Leu1255= (NM_001318832.2); c.3735G>T, p.Leu1245= (NM_001363528.2); c.3801G>T, p.Leu1267= (NM_001370404.1); and 1 more.
Identifiers: ClinVar variation 701085 (VCV000701085.14), dbSNP rs768160843, ClinGen allele CA049635.